The following is an entry in ClinVar:

ClinVar aggregate classification (germline): Uncertain significance (1 of 4 stars; one submission).

Conditions:
Early-infantile DEE. Also called: Ohtahara syndrome; Early infantile epileptic encephalopathy with suppression bursts; Early infantile epileptic encephalopathy. Identifiers: Orphanet 1934, MedGen C0393706, MONDO:0800491.

Submission:

Labcorp Genetics (formerly Invitae), Labcorp
Classification: Uncertain significance for Early-infantile DEE. Last evaluated: 2020-03-26. Review status: criteria provided, single submitter. Criteria: Invitae Variant Classification Sherloc (09022015). Collection method: clinical testing. Allele origin: germline.
Comment: In summary, the available evidence is currently insufficient to determine the role of this variant in disease. Therefore, it has been classified as a Variant of Uncertain Significance. Algorithms developed to predict the effect of missense changes on protein structure and function are either unavailable or do not agree on the potential impact of this missense change (SIFT: "Deleterious"; PolyPhen-2: "Benign"; Align-GVGD: "Class C15"). This variant has not been reported in the literature in individuals with SPTAN1-related conditions. This variant is not present in population databases (ExAC no frequency). This sequence change replaces phenylalanine with tyrosine at codon 2470 of the SPTAN1 protein (p.Phe2470Tyr). The phenylalanine residue is highly conserved and there is a small physicochemical difference between phenylalanine and tyrosine.

NM_001130438.3(SPTAN1):c.7409T>A (p.Phe2470Tyr)

Gene: SPTAN1 (spectrin alpha, non-erythrocytic 1; plus strand). Cytogenetic location: 9q34.11.
Variant type: single nucleotide variant.
Coding change: c.7409T>A on transcript NM_001130438.3 (MANE Select); coding-DNA position 7409, T replaced by A.
Protein change: p.Phe2470Tyr; replaces phenylalanine 2470 with tyrosine.
Molecular consequence: missense variant.
Genome position (GRCh38, 1-based): chr9:128,633,309, T>A. VCF-style: chr9-128633309-T-A. GRCh37 (hg19) VCF-style: chr9-131395588-T-A.
Other names: c.7334T>A, p.Phe2445Tyr (NM_001195532.2); c.7472T>A, p.Phe2491Tyr (NM_001363759.2); c.7349T>A, p.Phe2450Tyr (NM_001363765.2, NM_001375314.2); c.7496T>A, p.Phe2499Tyr (NM_001375310.1); c.7409T>A, p.Phe2470Tyr (NM_001375311.2); c.7445T>A, p.Phe2482Tyr (NM_001375312.2); c.7391T>A, p.Phe2464Tyr (NM_001375313.1); c.7508T>A, p.Phe2503Tyr (NM_001375318.1); and 1 more; short protein forms F2464Y, F2499Y, F2445Y, F2465Y, F2491Y, F2503Y, F2450Y, F2470Y.
Identifiers: ClinVar variation 1047715 (VCV001047715.9), dbSNP rs1860134597, ClinGen allele CA375104012.